The following is an entry in ClinVar:

NM_006164.5(NFE2L2):c.484G>T (p.Ala162Ser)

Gene: NFE2L2 (NFE2 like bZIP transcription factor 2; minus strand). Cytogenetic location: 2q31.2.
Variant type: single nucleotide variant.
Coding change: c.484G>T on transcript NM_006164.5 (MANE Select); coding-DNA position 484, G replaced by T.
Protein change: p.Ala162Ser; replaces alanine 162 with serine.
Molecular consequence: missense variant.
Genome position (GRCh38, 1-based): chr2:177,232,502, C>A on the plus strand (G>T on the coding strand, the complement: NFE2L2 is on the minus strand). VCF-style: chr2-177232502-C-A. GRCh37 (hg19) VCF-style: chr2-178097230-C-A.
Other names: c.436G>T, p.Ala146Ser (NM_001145412.3, NM_001313900.1, NM_001313901.1); c.415G>T, p.Ala139Ser (NM_001145413.3); c.394G>T, p.Ala132Ser (NM_001313902.2); c.265G>T, p.Ala89Ser (NM_001313903.2); c.184G>T, p.Ala62Ser (NM_001313904.1); short protein forms A89S, A132S, A139S, A62S, A146S, A162S.
Identifiers: ClinVar variation 4703455 (VCV004703455.1).

ClinVar aggregate classification (germline): Uncertain significance (1 of 4 stars; one submission).

Submission:

Labcorp Genetics (formerly Invitae), Labcorp
Classification: Uncertain significance. Last evaluated: 2025-06-05. Review status: criteria provided, single submitter. Criteria: Invitae Variant Classification Sherloc (09022015). Collection method: clinical testing. Allele origin: germline.
Comment: This sequence change replaces alanine, which is neutral and non-polar, with serine, which is neutral and polar, at codon 162 of the NFE2L2 protein (p.Ala162Ser). This variant is not present in population databases (gnomAD no frequency). This variant has not been reported in the literature in individuals affected with NFE2L2-related conditions. Invitae Evidence Modeling of protein sequence and biophysical properties (such as structural, functional, and spatial information, amino acid conservation, physicochemical variation, residue mobility, and thermodynamic stability) indicates that this missense variant is not expected to disrupt NFE2L2 protein function with a negative predictive value of 80%. In summary, the available evidence is currently insufficient to determine the role of this variant in disease. Therefore, it has been classified as a Variant of Uncertain Significance.